The following is an entry in ClinVar:

ClinVar aggregate classification (germline): Uncertain significance (1 of 4 stars; one submission).

Conditions:
Cardiovascular phenotype. Identifiers: MedGen CN230736.

gnomAD v4.1: 6 of 1,614,102 alleles (0.00037%); highest among the groups gnomAD compares: African/African-American, 0.008%; no homozygotes.

Submission:

Ambry Genetics
Classification: Uncertain significance for Cardiovascular phenotype. Last evaluated: 2025-11-15. Review status: criteria provided, single submitter. Criteria: Ambry Variant Classification Scheme 2023. Collection method: clinical testing. Allele origin: germline.
Comment: The p.E3932G variant (also known as c.11795A>G), located in coding exon 45 of the ANK2 gene, results from an A to G substitution at nucleotide position 11795. The glutamic acid at codon 3932 is replaced by glycine, an amino acid with similar properties. This amino acid position is conserved. In addition, the in silico prediction for this alteration is inconclusive. Based on the available evidence, the clinical significance of this variant remains unclear.

NM_001148.6(ANK2):c.11795A>G (p.Glu3932Gly)

Gene: ANK2 (ankyrin 2; plus strand). Cytogenetic location: 4q26.
Variant type: single nucleotide variant.
Coding change: c.11795A>G on transcript NM_001148.6 (MANE Select); coding-DNA position 11795, A replaced by G.
Protein change: p.Glu3932Gly; replaces glutamic acid 3932 with glycine.
Molecular consequence: missense variant. On other transcripts: intron variant (9).
Genome position (GRCh38, 1-based): chr4:113,373,385, A>G. VCF-style: chr4-113373385-A-G. GRCh37 (hg19) VCF-style: chr4-114294541-A-G.
Other names: c.5513A>G, p.Glu1838Gly (NM_001127493.3); c.5552A>G, p.Glu1851Gly (NM_001354225.2); c.5534A>G, p.Glu1845Gly (NM_001354228.2); c.5519A>G, p.Glu1840Gly (NM_001354230.2); c.5675A>G, p.Glu1892Gly (NM_001354231.2); c.5669A>G, p.Glu1890Gly (NM_001354232.2); c.5630A>G, p.Glu1877Gly (NM_001354235.2); c.5438A>G, p.Glu1813Gly (NM_001354236.2); and 50 more; short protein forms E1030G, E1686G, E1747G, E1752G, E1760G, E1774G, E1789G, E1800G.
Identifiers: ClinVar variation 4613564 (VCV004613564.1).